The following is an entry in ClinVar:

ClinVar aggregate classification (germline): Benign/Likely benign. Review status: criteria provided, multiple submitters, no conflicts (2 of 4 stars). 4 submissions from 4 submitters: Benign (1); Likely benign (3). Last evaluated 2025-07-06.

Conditions:
Hereditary cancer-predisposing syndrome. Also called: Hereditary neoplastic syndrome; Tumor predisposition; Neoplastic Syndromes, Hereditary; Hereditary Cancer Syndrome. Identifiers: Orphanet 140162, MedGen C0027672, MeSH D009386, MONDO:0015356.
Familial cancer of breast. Also called: Hereditary breast cancer; BREAST CANCER, FAMILIAL; hereditary breast carcinoma. Identifiers: Orphanet 227535, MedGen C0346153, MONDO:0016419, OMIM 114480. Disease mechanism: loss of function.
Ataxia-telangiectasia syndrome (AT). Also called: LOUIS-BAR SYNDROME; ATAXIA-TELANGIECTASIA, COMPLEMENTATION GROUP A; ATAXIA-TELANGIECTASIA, FRESNO VARIANT; Ataxia-telangiectasia; Ataxia telangiectasia (A-T); Cerebello-oculocutaneous telangiectasia. Identifiers: Orphanet 100, MedGen C0004135, MONDO:0008840, OMIM 208900.

Allele frequency attached by ClinVar (database versions not stated): gnomAD exomes below 0.00001; TOPMed below 0.00001.
gnomAD v4.1: 2 of 1,614,128 alleles (0.00012%); highest among the groups gnomAD compares: Non-Finnish European, 0.00017%; no homozygotes.

Submissions (4):

Labcorp Genetics (formerly Invitae), Labcorp
Classification: Likely benign for Ataxia-telangiectasia syndrome. Last evaluated: 2025-07-06. Review status: criteria provided, single submitter. Criteria: Invitae Variant Classification Sherloc (09022015). Collection method: clinical testing. Allele origin: germline.

Myriad Genetics, Inc.
Classification: Benign for Familial cancer of breast. Last evaluated: 2024-05-10. Review status: criteria provided, single submitter. Criteria: Myriad Autosomal Dominant, Autosomal Recessive and X-Linked Classification Criteria (2023). Collection method: clinical testing. Allele origin: unknown.
Comment: This variant is considered benign. This variant is a silent/synonymous amino acid change and it is not expected to impact splicing.

Ambry Genetics
Classification: Likely benign for Hereditary cancer-predisposing syndrome. Last evaluated: 2018-11-05. Review status: criteria provided, single submitter. Criteria: Ambry Variant Classification Scheme 2023. Collection method: clinical testing. Allele origin: germline.

GeneDx
Classification: Likely benign. Last evaluated: 2016-07-14. Review status: criteria provided, single submitter. Criteria: GeneDx Variant Classification (06012015). Collection method: clinical testing. Allele origin: germline. Affected: yes.
Comment: This variant is considered likely benign or benign based on one or more of the following criteria: it is a conservative change, it occurs at a poorly conserved position in the protein, it is predicted to be benign by multiple in silico algorithms, and/or has population frequency not consistent with disease.

NM_000051.4(ATM):c.2742T>C (p.Asn914=)

Gene: ATM (ATM serine/threonine kinase; plus strand). Cytogenetic location: 11q22.3.
Variant type: single nucleotide variant.
Coding change: c.2742T>C on transcript NM_000051.4 (MANE Select); coding-DNA position 2742, T replaced by C.
Protein change: p.Asn914=; no amino-acid change (asparagine 914 retained).
Molecular consequence: synonymous variant.
Genome position (GRCh38, 1-based): chr11:108,268,513, T>C. VCF-style: chr11-108268513-T-C. GRCh37 (hg19) VCF-style: chr11-108139240-T-C.
Other names: c.2742T>C, p.Asn914= (NM_001351834.2).
Identifiers: ClinVar variation 379198 (VCV000379198.17), dbSNP rs1057520522, ClinGen allele CA16606791.